The following is an entry in ClinVar:

NM_002485.5(NBN):c.2188C>A (p.Gln730Lys)

Gene: NBN (nibrin; minus strand). Cytogenetic location: 8q21.3.
Variant type: single nucleotide variant.
Coding change: c.2188C>A on transcript NM_002485.5 (MANE Select); coding-DNA position 2188, C replaced by A.
Protein change: p.Gln730Lys; replaces glutamine 730 with lysine.
Molecular consequence: missense variant.
Genome position (GRCh38, 1-based): chr8:89,937,072, G>T on the plus strand (C>A on the coding strand, the complement: NBN is on the minus strand). VCF-style: chr8-89937072-G-T. GRCh37 (hg19) VCF-style: chr8-90949300-G-T.
Other names: c.1942C>A, p.Gln648Lys (NM_001024688.3); short protein forms Q648K, Q730K.
Identifiers: ClinVar variation 1491199 (VCV001491199.8), dbSNP rs1554554267, ClinGen allele CA371674838.

ClinVar aggregate classification (germline): Uncertain significance (1 of 4 stars; one submission).

Conditions:
Microcephaly, normal intelligence and immunodeficiency (NBS). Also called: BERLIN BREAKAGE SYNDROME; Nijmegen breakage syndrome; Microcephaly with normal intelligence immunodeficiency and lymphoreticular malignancies; Nonsyndromal microcephaly autosomal recessive with normal intelligence; Seemanova syndrome 2; IMMUNODEFICIENCY, MICROCEPHALY, AND CHROMOSOMAL INSTABILITY. Identifiers: Orphanet 647, MedGen C0398791, MONDO:0009623, OMIM 251260.

Allele frequency attached by ClinVar (database versions not stated): gnomAD exomes below 0.00001.
gnomAD v4.1: 1 of 1,612,052 alleles (0.000062%); highest among the groups gnomAD compares: Non-Finnish European, 0.000085%; no homozygotes.

Submission:

Labcorp Genetics (formerly Invitae), Labcorp
Classification: Uncertain significance for Microcephaly, normal intelligence and immunodeficiency. Last evaluated: 2021-07-17. Review status: criteria provided, single submitter. Criteria: Invitae Variant Classification Sherloc (09022015). Collection method: clinical testing. Allele origin: germline.
Comment: In summary, the available evidence is currently insufficient to determine the role of this variant in disease. Therefore, it has been classified as a Variant of Uncertain Significance. Algorithms developed to predict the effect of sequence changes on RNA splicing suggest that this variant may create or strengthen a splice site. Algorithms developed to predict the effect of missense changes on protein structure and function are either unavailable or do not agree on the potential impact of this missense change (SIFT: "Tolerated"; PolyPhen-2: "Probably Damaging"; Align-GVGD: "Class C0"). This variant has not been reported in the literature in individuals affected with NBN-related conditions. This variant is not present in population databases (ExAC no frequency). This sequence change replaces glutamine with lysine at codon 730 of the NBN protein (p.Gln730Lys). The glutamine residue is moderately conserved and there is a small physicochemical difference between glutamine and lysine.